The following is an entry in ClinVar:

ClinVar aggregate classification (germline): Pathogenic (1 of 4 stars; one submission).

Conditions:
Neurofibromatosis, type 2 (SWNV). Also called: NF2-Related Schwannomatosis; BILATERAL ACOUSTIC NEUROFIBROMATOSIS; SCHWANNOMATOSIS, VESTIBULAR. Identifiers: Orphanet 637, MedGen C0027832, MONDO:0007039, OMIM 101000. Disease mechanism: loss of function.

Submission:

Labcorp Genetics (formerly Invitae), Labcorp
Classification: Pathogenic for Neurofibromatosis, type 2. Last evaluated: 2022-03-01. Review status: criteria provided, single submitter. Criteria: Invitae Variant Classification Sherloc (09022015). Collection method: clinical testing. Allele origin: germline.
Comment: For these reasons, this variant has been classified as Pathogenic. This variant has not been reported in the literature in individuals affected with NF2-related conditions. This variant is not present in population databases (gnomAD no frequency). This sequence change creates a premature translational stop signal (p.Val81Serfs*40) in the NF2 gene. It is expected to result in an absent or disrupted protein product. Loss-of-function variants in NF2 are known to be pathogenic (PMID: 9643284, 16983642).

Literature cited by the submitters: PubMed 9643284; PubMed 16983642.

NM_000268.4(NF2):c.241_249delinsAG (p.Val81fs)

Gene: NF2 (NF2, moesin-ezrin-radixin like (MERLIN) tumor suppressor; plus strand). Cytogenetic location: 22q12.2.
Variant type: Indel.
Coding change: c.241_249delinsAG on transcript NM_000268.4 (MANE Select); coding-DNA positions 241 to 249, GTACTGGAT replaced by AG.
Protein change: p.Val81fs; shifts the reading frame from valine 81.
Molecular consequence: frameshift variant. On other transcripts: non-coding transcript variant (1), intron variant (3).
Genome position (GRCh38, 1-based): chr22:29,639,090-29,639,098, GTACTGGAT replaced by AG. VCF-style: chr22-29639090-GTACTGGAT-AG. GRCh37 (hg19) VCF-style: chr22-30035079-GTACTGGAT-AG.
Other names: c.127_135delGTACTGGATinsAG, p.Val43Serfs (NM_001407053.1, NM_001407056.1); c.115_123delGTACTGGATinsAG, p.Val39Serfs (NM_001407055.1); c.241_249delGTACTGGATinsAG, p.Val81Serfs (NM_001407057.1, NM_001407059.1, NM_001407060.1 and 1 more transcripts); c.-400_-392delGTACTGGATinsAG (NM_001407065.1); c.10_18delGTACTGGATinsAG, p.Val4Serfs (NM_001407067.1); c.241_249delinsAG, p.Val81fs (NM_016418.5, NM_181825.3, NM_181832.3 and 1 more transcripts); c.115_123delinsAG, p.Val39fs (NM_181828.3); c.240+2214_240+2222delinsAG (NM_181829.3); and 1 more; short protein forms V39fs, V81fs.
Identifiers: ClinVar variation 2105452 (VCV002105452.4), dbSNP rs2518435287, ClinGen allele CA2580099495.